The following is an entry in ClinVar:

ClinVar aggregate classification (germline): Uncertain significance (1 of 4 stars; one submission).

gnomAD v4.1: 24 of 1,613,976 alleles (0.0015%); highest among the groups gnomAD compares: Non-Finnish European, 0.0019%; no homozygotes.

Submission:

Labcorp Genetics (formerly Invitae), Labcorp
Classification: Uncertain significance. Last evaluated: 2024-12-26. Review status: criteria provided, single submitter. Criteria: Invitae Variant Classification Sherloc (09022015). Collection method: clinical testing. Allele origin: germline.
Comment: This sequence change replaces valine, which is neutral and non-polar, with isoleucine, which is neutral and non-polar, at codon 27 of the RNF168 protein (p.Val27Ile). This variant is present in population databases (rs757633646, gnomAD 0.007%). This variant has not been reported in the literature in individuals affected with RNF168-related conditions. An algorithm developed to predict the effect of missense changes on protein structure and function outputs the following: PolyPhen-2: "Benign". The isoleucine amino acid residue is found in multiple mammalian species, which suggests that this missense change does not adversely affect protein function. In summary, the available evidence is currently insufficient to determine the role of this variant in disease. Therefore, it has been classified as a Variant of Uncertain Significance.

NM_152617.4(RNF168):c.79G>A (p.Val27Ile)

Gene: RNF168 (ring finger protein 168; minus strand). Cytogenetic location: 3q29.
Variant type: single nucleotide variant.
Coding change: c.79G>A on transcript NM_152617.4 (MANE Select); coding-DNA position 79, G replaced by A.
Protein change: p.Val27Ile; replaces valine 27 with isoleucine.
Molecular consequence: missense variant.
Genome position (GRCh38, 1-based): chr3:196,503,095, C>T on the plus strand (G>A on the coding strand, the complement: RNF168 is on the minus strand). VCF-style: chr3-196503095-C-T. GRCh37 (hg19) VCF-style: chr3-196229966-C-T.
Other names: short protein forms V27I.
Identifiers: ClinVar variation 3688047 (VCV003688047.2).